The following is an entry in ClinVar:

ClinVar aggregate classification (germline): Pathogenic (1 of 4 stars; one submission).

Conditions:
Early-infantile DEE. Also called: Ohtahara syndrome; Early infantile epileptic encephalopathy with suppression bursts; Early infantile epileptic encephalopathy. Identifiers: Orphanet 1934, MedGen C0393706, MONDO:0800491.

Submission:

Labcorp Genetics (formerly Invitae), Labcorp
Classification: Pathogenic for Early-infantile DEE. Last evaluated: 2022-02-03. Review status: criteria provided, single submitter. Criteria: Invitae Variant Classification Sherloc (09022015). Collection method: clinical testing. Allele origin: germline.
Comment: This variant has not been reported in the literature in individuals affected with SCN1A-related conditions. For these reasons, this variant has been classified as Pathogenic. ClinVar contains an entry for this variant (Variation ID: 967232). This variant is not present in population databases (gnomAD no frequency). This sequence change creates a premature translational stop signal (p.Leu876*) in the SCN1A gene. It is expected to result in an absent or disrupted protein product. Loss-of-function variants in SCN1A are known to be pathogenic (PMID: 17347258, 18930999).

Literature cited by the submitters: PubMed 17347258; PubMed 18930999.

NM_001165963.4(SCN1A):c.2627T>G (p.Leu876Ter)

Gene: SCN1A (sodium voltage-gated channel alpha subunit 1; minus strand). Cytogenetic location: 2q24.3.
Variant type: single nucleotide variant.
Coding change: c.2627T>G on transcript NM_001165963.4 (MANE Select); coding-DNA position 2627, T replaced by G.
Protein change: p.Leu876Ter; replaces leucine 876 with a stop codon.
Molecular consequence: nonsense. On other transcripts: non-coding transcript variant (1).
Genome position (GRCh38, 1-based): chr2:166,038,095, A>C on the plus strand (T>G on the coding strand, the complement: SCN1A is on the minus strand). VCF-style: chr2-166038095-A-C. GRCh37 (hg19) VCF-style: chr2-166894605-A-C.
Other names: c.2543T>G, p.Leu848Ter (NM_001165964.3, NM_001353957.2, NM_001353958.2); c.2627T>G, p.Leu876Ter (NM_001202435.3, NM_001353948.2); c.2594T>G, p.Leu865Ter (NM_001353949.2, NM_001353950.2, NM_001353951.2 and 2 more transcripts); c.2591T>G, p.Leu864Ter (NM_001353954.2, NM_001353955.2); c.2540T>G, p.Leu847Ter (NM_001353960.2); c.185T>G, p.Leu62Ter (NM_001353961.2); short protein forms L847*, L876*, L864*, L848*, L62*, L865*.
Identifiers: ClinVar variation 967232 (VCV000967232.8), dbSNP rs1696673743, ClinGen allele CA349061721.
Genomic context (GRCh38, chr2:166,038,095, plus strand): 5'-ACGAGGGTTAAATTTCCCAGAGCCCCCACGGAATTGCCGATGATCTTTATTAGCATATTT[A>C]ACGTTGGCCAAGATTTTGCCAACTTGAAAACTCGCAGCTGGAAAATGAAAGATTAATATA-3'